The following is an entry in ClinVar:

NM_015512.5(DNAH1):c.6558T>G (p.Ala2186=)

Gene: DNAH1 (dynein axonemal heavy chain 1; plus strand). Cytogenetic location: 3p21.1.
Variant type: single nucleotide variant.
Coding change: c.6558T>G on transcript NM_015512.5 (MANE Select); coding-DNA position 6558, T replaced by G.
Protein change: p.Ala2186=; no amino-acid change (alanine 2186 retained).
Molecular consequence: synonymous variant.
Genome position (GRCh38, 1-based): chr3:52,371,978, T>G. VCF-style: chr3-52371978-T-G. GRCh37 (hg19) VCF-style: chr3-52405994-T-G.
Identifiers: ClinVar variation 478480 (VCV000478480.37), dbSNP rs113617561, ClinGen allele CA2434563.

ClinVar aggregate classification (germline): Likely benign. Review status: criteria provided, multiple submitters, no conflicts (2 of 4 stars). 4 submissions from 4 submitters: Likely benign (3). 1 of the submissions does not count toward it. Last evaluated 2026-01-11.

Conditions:
DNAH1-related disorder. Also called: DNAH1-related condition.
Spermatogenic failure 18. Identifiers: MedGen C4539783, MONDO:0054615, OMIM 617576.
Ciliary dyskinesia, primary, 37 (CILD37). Also called: CILIARY DYSKINESIA, PRIMARY, 37, WITH OR WITHOUT SITUS INVERSUS. Identifiers: MedGen C4539798, MONDO:0033204, OMIM 617577.

Allele frequency attached by ClinVar (database versions not stated): ESP Exome Variant Server 0.00008; 1000 Genomes Project 30x 0.00016; 1000 Genomes Project 0.00020; gnomAD exomes 0.00025 and 0.00031; ExAC 0.00029; gnomAD 0.00036; TOPMed 0.00037.
gnomAD v4.1: 453 of 1,613,734 alleles (0.028%); highest among the groups gnomAD compares: Middle Eastern, 0.16%; no homozygotes.

Submissions (4):

Labcorp Genetics (formerly Invitae), Labcorp
Classification: Likely benign for Ciliary dyskinesia, primary, 37; Spermatogenic failure 18. Last evaluated: 2026-01-11. Review status: criteria provided, single submitter. Criteria: Invitae Variant Classification Sherloc (09022015). Collection method: clinical testing. Allele origin: germline.

Blueprint Genetics
Classification: Likely benign. Last evaluated: 2024-11-12. Review status: criteria provided, single submitter. Criteria: ACMG Guidelines, 2015. Collection method: clinical testing. Allele origin: germline.

CeGaT Center for Human Genetics Tuebingen
Classification: Likely benign. Last evaluated: 2023-02-01. Review status: criteria provided, single submitter. Criteria: CeGaT Center For Human Genetics Tuebingen Variant Classification Criteria Version 2. Collection method: clinical testing. Allele origin: germline. Affected: yes. Observed: 3 variant alleles.
Comment: DNAH1: BP4, BP7

PreventionGenetics, part of Exact Sciences
Classification: Likely benign for DNAH1-related condition. Last evaluated: 2020-02-28. Review status: no assertion criteria provided. Collection method: clinical testing. Allele origin: germline. Not counted in ClinVar's aggregate classification.
Comment: This variant is classified as likely benign based on ACMG/AMP sequence variant interpretation guidelines (Richards et al. 2015 PMID: 25741868, with internal and published modifications).